The following is an entry in ClinVar:

NM_194248.3(OTOF):c.297G>A (p.Thr99=)

Gene: OTOF (otoferlin; minus strand). Cytogenetic location: 2p23.3.
Variant type: single nucleotide variant.
Coding change: c.297G>A on transcript NM_194248.3 (MANE Select); coding-DNA position 297, G replaced by A.
Protein change: p.Thr99=; no amino-acid change (threonine 99 retained).
Molecular consequence: synonymous variant.
Genome position (GRCh38, 1-based): chr2:26,519,040, C>T on the plus strand (G>A on the coding strand, the complement: OTOF is on the minus strand). VCF-style: chr2-26519040-C-T. GRCh37 (hg19) VCF-style: chr2-26741908-C-T.
Other names: c.297G>A, p.Thr99= (NM_001287489.2).
Identifiers: ClinVar variation 48212 (VCV000048212.19), dbSNP rs397517941, ClinGen allele CA142838.

ClinVar aggregate classification (germline): Conflicting classifications of pathogenicity. Review status: criteria provided, conflicting classifications (1 of 4 stars). 4 submissions from 4 submitters: Uncertain significance (1); Benign (3). Last evaluated 2026-01-28.

Conditions:
Autosomal recessive nonsyndromic hearing loss 9. Also called: Deafness, autosomal recessive 9; AUDITORY NEUROPATHY, AUTOSOMAL RECESSIVE, 1, TEMPERATURE-SENSITIVE; NEUROSENSORY NONSYNDROMIC RECESSIVE DEAFNESS 9; OTOF-Related Hearing Loss. Identifiers: Orphanet 90636, MedGen C1832828, MONDO:0010986, OMIM 601071.

Allele frequency attached by ClinVar (database versions not stated): gnomAD 0.00001 and 0.00078; TOPMed 0.00016; gnomAD exomes 0.00129 and 0.00282; ExAC 0.00402; 1000 Genomes Project 30x 0.00531; 1000 Genomes Project 0.00579.
gnomAD v4.1: 2,022 of 1,610,030 alleles (0.13%); highest among the groups gnomAD compares: South Asian, 2.1%; 31 homozygotes.

Submissions (4):

Labcorp Genetics (formerly Invitae), Labcorp
Classification: Benign. Last evaluated: 2026-01-28. Review status: criteria provided, single submitter. Criteria: Invitae Variant Classification Sherloc (09022015). Collection method: clinical testing. Allele origin: germline.

GeneDx
Classification: Benign. Last evaluated: 2018-11-29. Review status: criteria provided, single submitter. Criteria: GeneDx Variant Classification Process June 2021. Collection method: clinical testing. Allele origin: germline. Affected: yes.

Illumina Laboratory Services, Illumina
Classification: Uncertain significance for Autosomal recessive nonsyndromic hearing loss 9. Last evaluated: 2018-01-13. Review status: criteria provided, single submitter. Criteria: ICSL Variant Classification Criteria 13 December 2019. Collection method: clinical testing. Allele origin: germline.

Laboratory for Molecular Medicine, Mass General Brigham Personalized Medicine
Classification: Benign. Last evaluated: 2015-03-02. Review status: criteria provided, single submitter. Criteria: LMM Criteria. Collection method: clinical testing. Allele origin: germline. Observed: 4 variant alleles.
Comment: p.Thr99Thr in exon 4 of OTOF: This variant is not expected to have clinical sign ificance because it does not alter an amino acid residue, is not located within the splice consensus sequence and it has been identified in 2.6% (353/13642) of South Asian chromosomes including 8 individuals who were homozygous by the Exome Aggregation Consortium (ExAC).